The following is an entry in ClinVar:

ClinVar aggregate classification (germline): Uncertain significance (1 of 4 stars; one submission).

Conditions:
Hereditary pancreatitis (PCTT). Also called: Hereditary chronic pancreatitis; PRSS1-Related Hereditary Pancreatitis. Identifiers: Orphanet 676, MedGen C0238339, MONDO:0008185, OMIM 167800.

Submission:

Ambry Genetics
Classification: Uncertain significance for Hereditary pancreatitis. Last evaluated: 2026-06-16. Review status: criteria provided, single submitter. Criteria: Ambry Variant Classification Scheme 2023. Collection method: clinical testing. Allele origin: germline.
Comment: The p.Q310H variant (also known as c.930G>T), located in coding exon 8 of the CPA1 gene, results from a G to T substitution at nucleotide position 930. The glutamine at codon 310 is replaced by histidine, an amino acid with highly similar properties. This amino acid position is conserved. In addition, this alteration is predicted to be deleterious by in silico analysis. Based on the available evidence, the clinical significance of this variant remains unclear.

NM_001868.4(CPA1):c.930G>T (p.Gln310His)

Gene: CPA1 (carboxypeptidase A1; plus strand). Cytogenetic location: 7q32.2.
Variant type: single nucleotide variant.
Coding change: c.930G>T on transcript NM_001868.4 (MANE Select); coding-DNA position 930, G replaced by T.
Protein change: p.Gln310His; replaces glutamine 310 with histidine.
Molecular consequence: missense variant.
Genome position (GRCh38, 1-based): chr7:130,385,288, G>T. VCF-style: chr7-130385288-G-T. GRCh37 (hg19) VCF-style: chr7-130025129-G-T.
Other names: short protein forms Q310H.
Identifiers: ClinVar variation 5034900 (VCV005034900.1).